The following is an entry in ClinVar:

ClinVar aggregate classification (germline): Pathogenic. Review status: criteria provided, multiple submitters, no conflicts (2 of 4 stars). 2 submissions from 2 submitters: Pathogenic (2). Last evaluated 2025-10-07.

Conditions:
COL2A1-related disorder. Also called: COL2A1-related condition; COL2A1-related disorders.

Submissions (2):

Labcorp Genetics (formerly Invitae), Labcorp
Classification: Pathogenic. Last evaluated: 2025-10-07. Review status: criteria provided, single submitter. Criteria: Invitae Variant Classification Sherloc (09022015). Collection method: clinical testing. Allele origin: germline.
Comment: This sequence change creates a premature translational stop signal (p.Trp47*) in the COL2A1 gene. It is expected to result in an absent or disrupted protein product. Loss-of-function variants in COL2A1 are known to be pathogenic (PMID: 20179744). This variant is not present in population databases (gnomAD no frequency). This premature translational stop signal has been observed in individual(s) with Stickler syndrome (PMID: 32756486). ClinVar contains an entry for this variant (Variation ID: 3613686). For these reasons, this variant has been classified as Pathogenic.

Blueprint Genetics
Classification: Pathogenic for COL2A1-related disorders. Last evaluated: 2019-09-24. Review status: criteria provided, single submitter. Criteria: ACMG Guidelines, 2015. Collection method: clinical testing. Allele origin: germline. Affected: yes. Observed: 2 variant alleles.

Literature cited by the submitters: PubMed 20179744 (cited by Labcorp Genetics (formerly Invitae), Labcorp); PubMed 32756486 (cited by Labcorp Genetics (formerly Invitae), Labcorp).

NM_001844.5(COL2A1):c.140G>A (p.Trp47Ter)

Gene: COL2A1 (collagen type II alpha 1 chain; minus strand). Cytogenetic location: 12q13.11.
Variant type: single nucleotide variant.
Coding change: c.140G>A on transcript NM_001844.5 (MANE Select); coding-DNA position 140, G replaced by A.
Protein change: p.Trp47Ter; replaces tryptophan 47 with a stop codon.
Molecular consequence: nonsense. On other transcripts: intron variant (1).
Genome position (GRCh38, 1-based): chr12:48,000,071, C>T on the plus strand (G>A on the coding strand, the complement: COL2A1 is on the minus strand). VCF-style: chr12-48000071-C-T. GRCh37 (hg19) VCF-style: chr12-48393854-C-T.
Other names: c.86-1640G>A (NM_033150.3); short protein forms W47*.
Identifiers: ClinVar variation 3613686 (VCV003613686.3).
Genomic context (GRCh38, chr12:48,000,071, plus strand): 5'-ATGTCGTCGCAGAGGACAGTCCCAGTGTCACAGACACAGATCCGGCAGGGCTCCGGCTTC[C>T]ACACATCCTTATCATTATACCTCTGCCCATCCTGCACACAGCTGCCAGCCTCCTCTGCAC-3'